The following is an entry in ClinVar:

NM_006946.4(SPTBN2):c.6723-14C>T

Gene: SPTBN2 (spectrin beta, non-erythrocytic 2; minus strand). Cytogenetic location: 11q13.2.
Variant type: single nucleotide variant.
Coding change: c.6723-14C>T on transcript NM_006946.4 (MANE Select); 14 bases into the intron before coding-DNA position 6723, C replaced by T.
Molecular consequence: intron variant.
Genome position (GRCh38, 1-based): chr11:66,687,181, G>A on the plus strand (C>T on the coding strand, the complement: SPTBN2 is on the minus strand). VCF-style: chr11-66687181-G-A. GRCh37 (hg19) VCF-style: chr11-66454652-G-A.
Identifiers: ClinVar variation 877376 (VCV000877376.13), dbSNP rs186232313, ClinGen allele CA6127807.

ClinVar aggregate classification (germline): Benign/Likely benign. Review status: criteria provided, multiple submitters, no conflicts (2 of 4 stars). 4 submissions from 3 submitters: Benign (3); Likely benign (1). Last evaluated 2025-11-05.

Conditions:
Autosomal recessive spinocerebellar ataxia 14. Also called: CEREBELLAR ATAXIA, AUTOSOMAL RECESSIVE, SPECTRIN-ASSOCIATED, 1. Identifiers: Orphanet 352403, MedGen C4706415, MONDO:0014159, OMIM 615386.
Spinocerebellar ataxia type 5 (SCA5). Identifiers: Orphanet 98766, MedGen C0752123, MONDO:0010848, OMIM 600224.

Allele frequency attached by ClinVar (database versions not stated): gnomAD exomes 0.00133; ExAC 0.00160; gnomAD 0.00486 and 0.00525; ESP Exome Variant Server 0.00523; TOPMed 0.00547; 1000 Genomes Project 0.00619; 1000 Genomes Project 30x 0.00703.
gnomAD v4.1: 1,567 of 1,613,276 alleles (0.097%); highest among the groups gnomAD compares: African/African-American, 1.7%; 9 homozygotes.

Submissions (4):

Labcorp Genetics (formerly Invitae), Labcorp
Classification: Benign. Last evaluated: 2025-11-05. Review status: criteria provided, single submitter. Criteria: Invitae Variant Classification Sherloc (09022015). Collection method: clinical testing. Allele origin: germline.

Blueprint Genetics
Classification: Likely benign. Last evaluated: 2024-09-16. Review status: criteria provided, single submitter. Criteria: ACMG Guidelines, 2015. Collection method: clinical testing. Allele origin: germline.

Illumina Laboratory Services, Illumina
Classification: Benign for Autosomal recessive spinocerebellar ataxia 14. Last evaluated: 2018-01-13. Review status: criteria provided, single submitter. Criteria: ICSL Variant Classification Criteria 13 December 2019. Collection method: clinical testing. Allele origin: germline.
Comment: This variant was observed in the ICSL laboratory as part of a predisposition screen in an ostensibly healthy population. It had not been previously curated by ICSL or reported in the Human Gene Mutation Database (HGMD: prior to June 1st, 2018), and was therefore a candidate for classification through an automated scoring system. Utilizing variant allele frequency, disease prevalence and penetrance estimates, and inheritance mode, an automated score was calculated to assess if this variant is too frequent to cause the disease. Based on the score and internal cut-off values, a variant classified as benign is not then subjected to further curation. The score for this variant resulted in a classification of benign for this disease.

Illumina Laboratory Services, Illumina
Classification: Benign for Spinocerebellar ataxia type 5. Last evaluated: 2018-01-13. Review status: criteria provided, single submitter. Criteria: ICSL Variant Classification Criteria 13 December 2019. Collection method: clinical testing. Allele origin: germline.
Comment: the same text as in the submission from Illumina Laboratory Services, Illumina above.